The following is an entry in ClinVar:

ClinVar aggregate classification (germline): Pathogenic. Review status: criteria provided, multiple submitters, no conflicts (2 of 4 stars). 5 submissions from 5 submitters: Pathogenic (3). 2 of the submissions do not count toward it. Last evaluated 2026-02-26.

Conditions:
Achromatopsia 2 (ACHM2). Also called: COLORBLINDNESS, TOTAL; ROD MONOCHROMACY 2; ROD MONOCHROMATISM 2. Identifiers: Orphanet 49382, MedGen C1857618, MONDO:0009003, OMIM 216900.
Retinal dystrophy. Also called: Inherited retinal dystrophy. Identifiers: Orphanet 71862, MedGen C0854723, MeSH D058499, MONDO:0019118, HP:0000556.

Allele frequency attached by ClinVar (database versions not stated): gnomAD exomes below 0.00001; TOPMed 0.00001.
gnomAD v4.1: 8 of 1,613,268 alleles (0.0005%); highest among the groups gnomAD compares: Non-Finnish European, 0.00042%; no homozygotes.

Submissions (5):

Women's Health and Genetics/Laboratory Corporation of America, LabCorp
Classification: Pathogenic for Achromatopsia 2. Last evaluated: 2026-02-26. Review status: criteria provided, single submitter. Criteria: LabCorp Variant Classification Summary - May 2015. Collection method: clinical testing. Allele origin: germline.
Comment: Variant summary: CNGA3 c.542A>G (p.Tyr181Cys) results in a non-conservative amino acid change in the encoded protein sequence. Algorithms developed to predict the effect of missense changes on protein structure and function all suggest that this variant is likely to be disruptive. The variant was absent in 251426 control chromosomes. c.542A>G has been observed in individuals affected with achromatopsia or cone-rod dystrophy (e.g. Wissinger_2001, Georgiou_2019, Sun_2025, internal data). These data indicate that the variant is likely to be associated with disease. At least one publication reported experimental evidence evaluating an impact on protein function and found that although the variant was expressed, patchclamp recordings demonstrated that it did not produce cGMP-activated current (e.g. Muraki-Oda_2007). The following publications have been ascertained in the context of this evaluation (PMID: 30682209, 23082193, 17693388, 40529388, 11536077). ClinVar contains an entry for this variant (Variation ID: 1071996). Based on the evidence outlined above, the variant was classified as pathogenic.

Institute of Human Genetics, Univ. Regensburg, Univ. Regensburg
Classification: Pathogenic for Retinal dystrophy. Last evaluated: 2023-01-01. Review status: criteria provided, single submitter. Criteria: ACMG Guidelines, 2015. Collection method: clinical testing. Allele origin: germline. Affected: yes.

Labcorp Genetics (formerly Invitae), Labcorp
Classification: Pathogenic. Last evaluated: 2020-07-22. Review status: criteria provided, single submitter. Criteria: Invitae Variant Classification Sherloc (09022015). Collection method: clinical testing. Allele origin: germline.
Comment: This variant has been observed in individual(s) with clinical features of achromatopsia (PMID: 31237654, 11536077, Invitae). Advanced modeling of protein sequence and biophysical properties (such as structural, functional, and spatial information, amino acid conservation, physicochemical variation, residue mobility, and thermodynamic stability) performed at Invitae indicates that this missense variant is expected to disrupt CNGA3 protein function. Algorithms developed to predict the effect of sequence changes on RNA splicing suggest that this variant may create or strengthen a splice site, but this prediction has not been confirmed by published transcriptional studies. For these reasons, this variant has been classified as Pathogenic. This variant is not present in population databases (ExAC no frequency). This sequence change replaces tyrosine with cysteine at codon 181 of the CNGA3 protein (p.Tyr181Cys). The tyrosine residue is highly conserved and there is a large physicochemical difference between tyrosine and cysteine. This variant has been reported to affect CNGA3 protein function (PMID:17693388,15980212).

Clinical Genetics DNA and cytogenetics Diagnostics Lab, Erasmus MC, Erasmus Medical Center
Classification: Likely pathogenic. Review status: no assertion criteria provided. Collection method: clinical testing. Allele origin: germline. Affected: yes. Study: VKGL Data-share Consensus. Not counted in ClinVar's aggregate classification.

Clinical Genetics, Academic Medical Center
Classification: Likely pathogenic. Review status: no assertion criteria provided. Collection method: clinical testing. Allele origin: germline. Affected: yes. Study: VKGL Data-share Consensus. Not counted in ClinVar's aggregate classification.

Literature cited by the submitters: PubMed 17693388 (cited by 3 submitters); PubMed 11536077 (cited by 3 submitters); PubMed 30682209 (cited by Women's Health and Genetics/Laboratory Corporation of America, LabCorp and Institute of Human Genetics, Univ. Regensburg, Univ. Regensburg); PubMed 23082193 (cited by Women's Health and Genetics/Laboratory Corporation of America, LabCorp and Institute of Human Genetics, Univ. Regensburg, Univ. Regensburg); PubMed 40529388 (cited by Women's Health and Genetics/Laboratory Corporation of America, LabCorp); PubMed 31237654 (cited by Institute of Human Genetics, Univ. Regensburg, Univ. Regensburg and Labcorp Genetics (formerly Invitae), Labcorp); PubMed 15980212 (cited by Labcorp Genetics (formerly Invitae), Labcorp).

NM_001298.3(CNGA3):c.542A>G (p.Tyr181Cys)

Gene: CNGA3 (cyclic nucleotide gated channel subunit alpha 3; plus strand). Cytogenetic location: 2q11.2.
Variant type: single nucleotide variant.
Coding change: c.542A>G on transcript NM_001298.3 (MANE Select); coding-DNA position 542, A replaced by G.
Protein change: p.Tyr181Cys; replaces tyrosine 181 with cysteine.
Molecular consequence: missense variant.
Genome position (GRCh38, 1-based): chr2:98,389,750, A>G. VCF-style: chr2-98389750-A-G. GRCh37 (hg19) VCF-style: chr2-99006213-A-G.
Other names: c.488A>G, p.Tyr163Cys (NM_001079878.2); short protein forms Y163C, Y181C.
Identifiers: ClinVar variation 1071996 (VCV001071996.14), dbSNP rs1692740329, ClinGen allele CA347831600.